The following is an entry in ClinVar:

NM_001113378.2(FANCI):c.3255+1G>C

Gene: FANCI (FA complementation group I; plus strand). Cytogenetic location: 15q26.1.
Variant type: single nucleotide variant.
Coding change: c.3255+1G>C on transcript NM_001113378.2 (MANE Select); the canonical splice donor site of the intron after coding-DNA position 3255, G replaced by C.
Molecular consequence: splice donor variant.
Genome position (GRCh38, 1-based): chr15:89,305,410, G>C. VCF-style: chr15-89305410-G-C. GRCh37 (hg19) VCF-style: chr15-89848641-G-C.
Other names: c.3075+1G>C (NM_018193.3); c.3255+1G>C (NM_001376911.1); c.2976+1G>C (NM_001376910.1).
Identifiers: ClinVar variation 959365 (VCV000959365.9), dbSNP rs779079622, ClinGen allele CA7723649.

ClinVar aggregate classification (germline): Conflicting classifications of pathogenicity. Review status: criteria provided, conflicting classifications (1 of 4 stars). 2 submissions from 2 submitters: Likely pathogenic (1); Uncertain significance (1). Last evaluated 2024-11-30.

Conditions:
Fanconi anemia (FA). Also called: Fanconi's anemia. Identifiers: Orphanet 84, MedGen C0015625, MeSH D005199, MONDO:0019391.
Fanconi anemia complementation group I (FANCI). Also called: FANCI-Related Fanconi Anemia. Identifiers: Orphanet 84, MedGen C1836861, MONDO:0012186, OMIM 609053.

Allele frequency attached by ClinVar (database versions not stated): gnomAD exomes below 0.00001; ExAC 0.00001.
gnomAD v4.1: 2 of 1,613,364 alleles (0.00012%); highest among the groups gnomAD compares: South Asian, 0.0022%; no homozygotes.

Submissions (2):

Labcorp Genetics (formerly Invitae), Labcorp
Classification: Likely pathogenic for Fanconi anemia. Last evaluated: 2024-11-30. Review status: criteria provided, single submitter. Criteria: Invitae Variant Classification Sherloc (09022015). Collection method: clinical testing. Allele origin: germline.
Comment: This sequence change affects a donor splice site in intron 30 of the FANCI gene. It is expected to disrupt RNA splicing. Variants that disrupt the donor or acceptor splice site typically lead to a loss of protein function (PMID: 16199547), and loss-of-function variants in FANCI are known to be pathogenic (PMID: 17452773, 17460694). This variant is present in population databases (rs779079622, gnomAD 0.003%). This variant has not been reported in the literature in individuals affected with FANCI-related conditions. ClinVar contains an entry for this variant (Variation ID: 959365). Algorithms developed to predict the effect of sequence changes on RNA splicing suggest that this variant may disrupt the consensus splice site. In summary, the currently available evidence indicates that the variant is pathogenic, but additional data are needed to prove that conclusively. Therefore, this variant has been classified as Likely Pathogenic.

Baylor Genetics
Classification: Uncertain significance for Fanconi anemia complementation group I. Last evaluated: 2023-05-19. Review status: criteria provided, single submitter. Criteria: ACMG Guidelines, 2015. Collection method: clinical testing. Allele origin: unknown.

Literature cited by the submitters: PubMed 16199547 (cited by Labcorp Genetics (formerly Invitae), Labcorp); PubMed 17452773 (cited by Labcorp Genetics (formerly Invitae), Labcorp); PubMed 17460694 (cited by Labcorp Genetics (formerly Invitae), Labcorp).